The following is an entry in ClinVar:

NM_001003694.2(BRPF1):c.2348A>G (p.Gln783Arg)

Gene: BRPF1 (bromodomain and PHD finger containing 1; plus strand). Cytogenetic location: 3p25.3.
Variant type: single nucleotide variant.
Coding change: c.2348A>G on transcript NM_001003694.2 (MANE Select); coding-DNA position 2348, A replaced by G.
Protein change: p.Gln783Arg; replaces glutamine 783 with arginine.
Molecular consequence: missense variant. On other transcripts: non-coding transcript variant (1).
Genome position (GRCh38, 1-based): chr3:9,743,614, A>G. VCF-style: chr3-9743614-A-G. GRCh37 (hg19) VCF-style: chr3-9785298-A-G.
Other names: c.2330A>G, p.Gln777Arg (NM_001319049.2, NM_001437892.1, NM_004634.3); c.2327A>G, p.Gln776Arg (NM_001319050.2, NM_001438342.1, NM_001438343.1 and 1 more transcripts); c.2345A>G, p.Gln782Arg (NM_001410704.1, NM_001438345.1); c.2348A>G, p.Gln783Arg (NM_001438344.1); short protein forms Q776R, Q777R, Q782R, Q783R.
Identifiers: ClinVar variation 4882207 (VCV004882207.2).

ClinVar aggregate classification (germline): Uncertain significance (1 of 4 stars; one submission).

Submission:

Dasa
Classification: Uncertain significance. Last evaluated: 2026-01-22. Review status: criteria provided, single submitter. Criteria: DASA Assertion Criteria. Collection method: clinical testing. Allele origin: germline.
Comment: NM_001003694.2(BRPF1):c.2348A>G (p.Gln783Arg) is a missense variant that results in the substitution of glutamine with arginine. This variant is rare in population databases. Computational prediction algorithms are consistent with a benign effect. The currently available literature and clinical evidence are not sufficient to establish a definitive association between this variant and the reported condition. Therefore, this variant is classified as a variant of uncertain significance.